The following is an entry in ClinVar:

NM_006715.4(MAN2C1):c.601-2A>G

Gene: MAN2C1 (mannosidase alpha class 2C member 1; minus strand). Cytogenetic location: 15q24.2.
Variant type: single nucleotide variant.
Coding change: c.601-2A>G on transcript NM_006715.4 (MANE Select); the canonical splice acceptor site of the intron before coding-DNA position 601, A replaced by G.
Molecular consequence: splice acceptor variant. On other transcripts: intron variant (1).
Genome position (GRCh38, 1-based): chr15:75,364,190, T>C on the plus strand (A>G on the coding strand, the complement: MAN2C1 is on the minus strand). VCF-style: chr15-75364190-T-C. GRCh37 (hg19) VCF-style: chr15-75656531-T-C.
Other names: IVS5AS, A-G, -2; c.601-2A>G (NM_001256494.2, NM_001256495.2, NM_001256494.1); c.600+298A>G (NM_001256496.2).
Identifiers: ClinVar variation 1342926 (VCV001342926.15), dbSNP rs147928844, ClinGen allele CA7666924.

ClinVar aggregate classification (germline): Conflicting classifications of pathogenicity. Review status: criteria provided, conflicting classifications (1 of 4 stars). 11 submissions from 11 submitters: Pathogenic (3); Likely pathogenic (5); Uncertain significance (2). 1 of the submissions does not count toward it. Last evaluated 2026-03-05.

Conditions:
MAN2C1-related disorder. Also called: MAN2C1-related condition.
Congenital disorder of deglycosylation 2 (CDDG2). Identifiers: MedGen C5676931, MONDO:0030770, OMIM 619775.

Allele frequency attached by ClinVar (database versions not stated): 1000 Genomes Project 30x 0.00016; 1000 Genomes Project 0.00020; TOPMed 0.00108; gnomAD 0.00113 and 0.00120; gnomAD exomes 0.00113 and 0.00179; ExAC 0.00115; ESP Exome Variant Server 0.00139.
gnomAD v4.1: 2,731 of 1,608,236 alleles (0.17%); highest among the groups gnomAD compares: Non-Finnish European, 0.22%; 1 homozygote.

Submissions (11):

PreventionGenetics, part of Exact Sciences
Classification: Likely pathogenic for MAN2C1-related condition. Last evaluated: 2026-03-05. Review status: criteria provided, single submitter. Criteria: ACMG Guidelines, 2015. Collection method: clinical testing. Allele origin: germline.
Comment: The MAN2C1 c.601-2A>G variant is predicted to disrupt the AG splice acceptor site and interfere with normal splicing. This variant has been reported in the compound heterozygous state in three individuals from two unrelated families with dysmorphic facial features, brain anomalies, and with/without intellectual disability (Maia et al 2022. PubMed ID: 35045343). Transcript analysis of patient fibroblasts indicated that this variant results in skipping of exon 6 and premature protein termination (Maia et al 2022. PubMed ID: 35045343). This variant is reported in 0.21% of alleles in individuals of European (Non-Finnish) descent in gnomAD; however, in gnomAD v4 (available only on GRCh38), this variant is reported in 0.22% of alleles in individuals of European (Non-Finnish) descent, including 1 homozygote, suggesting the possibility of reduced penetrance. This variant is classified as likely pathogenic or pathogenic my most submitters in ClinVar (Variation ID: 1342926). We classify this variant as likely pathogenic.

First Genomix Gene Laboratory, Genetic Diagnostics Department
Classification: Pathogenic for Congenital disorder of deglycosylation 2. Last evaluated: 2025-03-17. Review status: criteria provided, single submitter. Criteria: ACMG Guidelines, 2015. Collection method: clinical testing. Allele origin: germline. Inheritance: Autosomal recessive inheritance. Affected: no. Observed: 1 variant allele.

Blueprint Genetics
Classification: Uncertain significance. Last evaluated: 2024-11-19. Review status: criteria provided, single submitter. Criteria: ACMG Guidelines, 2015. Collection method: clinical testing. Allele origin: germline.

Women's Health and Genetics/Laboratory Corporation of America, LabCorp
Classification: Likely pathogenic for Congenital disorder of deglycosylation 2. Last evaluated: 2024-11-11. Review status: criteria provided, single submitter. Criteria: LabCorp Variant Classification Summary - May 2015. Collection method: clinical testing. Allele origin: germline.
Comment: Variant summary: MAN2C1 c.601-2A>G is located in a canonical splice-site and is predicted to affect mRNA splicing resulting in a significantly altered protein due to either exon skipping, shortening, or inclusion of intronic material. Variants that disrupt the consensus splice site are a relatively common cause of aberrant splicing and loss of MAN2C1 function. Several computational tools predict a significant impact on normal splicing: Two predict the variant abolishes a 3' acceptor site. At least one publication reports evidence that this variant affects mRNA splicing, resulting in the skipping of exon 6 in compound heterozygous patient fibroblasts (Maia_2022). The variant allele was found at a frequency of 0.0017 in 1608236 control chromosomes, predominantly at a frequency of 0.0022 within the Non-Finnish European subpopulation in the gnomAD database, including 1 homozygote. c.601-2A>G has been reported in the literature in individuals affected with congenital disorder of deglycosylation (Maia_2022). These data indicate that the variant is likely associated with disease. The following publications have been ascertained in the context of this evaluation (PMID: 37486637, 35045343). ClinVar contains an entry for this variant (Variation ID: 1342926). Based on the evidence outlined above, the variant was classified as likely pathogenic.

3billion
Classification: Pathogenic for Congenital disorder of deglycosylation 2. Last evaluated: 2024-06-17. Review status: criteria provided, single submitter. Criteria: ACMG Guidelines, 2015. Collection method: clinical testing. Allele origin: germline. Affected: yes.
Comment: The variant is observed at an extremely low frequency in the gnomAD v4.0.0 dataset (total allele frequency: 0.170%). Predicted Consequence/Location: Canonical splice site: predicted to alter splicing and result in a loss or disruption of normal protein function. Multiple pathogenic loss-of-function variants are reported downstream of the variant. In silico tools predict the variant to alter splicing and produce an abnormal transcript [SpliceAI: 0.88 (spliceogenicity >=0.2, non-spliceogenicity <0.1)]. The variant has been reported to be associated with MAN2C1 related disorder (PMID: 35045343). Therefore, this variant is classified as Pathogenic according to the recommendation of ACMG/AMP guideline.

Genomic Medicine Center of Excellence, King Faisal Specialist Hospital and Research Centre
Classification: Likely pathogenic for Congenital disorder of deglycosylation 2. Last evaluated: 2024-03-29. Review status: criteria provided, single submitter. Criteria: ACMG Guidelines, 2015. Collection method: clinical testing. Allele origin: germline.

Fulgent Genetics
Classification: Likely pathogenic for Congenital disorder of deglycosylation 2. Last evaluated: 2024-03-01. Review status: criteria provided, single submitter. Criteria: ACMG Guidelines, 2015. Collection method: clinical testing. Allele origin: germline.

ARUP Laboratories, Molecular Genetics and Genomics, ARUP Laboratories
Classification: Uncertain significance for Congenital disorder of deglycosylation 2. Last evaluated: 2023-08-23. Review status: criteria provided, single submitter. Criteria: ARUP Molecular Germline Variant Investigation Process 2024. Collection method: clinical testing. Allele origin: germline.

Department of Pathology and Laboratory Medicine, Sinai Health System
Classification: Likely pathogenic for Congenital disorder of deglycosylation 2. Last evaluated: 2023-01-12. Review status: criteria provided, single submitter. Criteria: ACMG Guidelines, 2015. Collection method: research. Allele origin: germline.

Institute for Medical Genetics and Human Genetics, Charité - Universitätsmedizin Berlin
Classification: Pathogenic for Congenital disorder of deglycosylation 2. Review status: criteria provided, single submitter. Criteria: ACMG Guidelines, 2015. Collection method: not provided. Allele origin: germline. Inheritance: Autosomal recessive inheritance. Affected: yes.

OMIM
Classification: Pathogenic for CONGENITAL DISORDER OF DEGLYCOSYLATION 2. Last evaluated: 2022-03-31. Review status: no assertion criteria provided. Collection method: literature only. Allele origin: germline. Not counted in ClinVar's aggregate classification.

Literature cited by the submitters: PubMed 37486637 (cited by Women's Health and Genetics/Laboratory Corporation of America, LabCorp); PubMed 35045343 (cited by 3 submitters).